The following is an entry in ClinVar:

NM_007289.4(MME):c.1580G>A (p.Arg527Gln)

Gene: MME (membrane metalloendopeptidase; plus strand). Cytogenetic location: 3q25.2.
Variant type: single nucleotide variant.
Coding change: c.1580G>A on transcript NM_007289.4 (MANE Select); coding-DNA position 1580, G replaced by A.
Protein change: p.Arg527Gln; replaces arginine 527 with glutamine.
Molecular consequence: missense variant.
Genome position (GRCh38, 1-based): chr3:155,148,632, G>A. VCF-style: chr3-155148632-G-A. GRCh37 (hg19) VCF-style: chr3-154866421-G-A.
Other names: c.1580G>A, p.Arg527Gln (NM_000902.5, NM_001354642.2, NM_001354643.1 and 2 more transcripts); c.1580G>A (NM_007289.2); short protein forms R527Q.
Identifiers: ClinVar variation 493378 (VCV000493378.50), dbSNP rs202008298, ClinGen allele CA2675558.
Genomic context (GRCh38, chr3:155,148,632, plus strand): 5'-ACTTCGAGAACATAATTCAAAATTTGAAATTCAGCCAAAGTAAACAACTGAAGAAGCTCC[G>A]AGAAAAGGTGGACAAAGATGAGTGCGTATATTCTCATTTCTAATGTGATCATCTAGAAGC-3'
Protein context (NP_009220.2, residues 517-537): FSQSKQLKKL[Arg527Gln]EKVDKDEWIS

ClinVar aggregate classification (germline): Uncertain significance. Review status: criteria provided, multiple submitters, no conflicts (2 of 4 stars). 7 submissions from 7 submitters: Uncertain significance (7). Last evaluated 2025-08-31.

Conditions:
MME-related disorder. Also called: MME-related condition.
Inborn genetic diseases. Identifiers: MedGen C0950123, MeSH D030342.
Charcot-Marie-Tooth disease axonal type 2T. Identifiers: Orphanet 443950, MedGen C4015635, OMIM 617017, MONDO:0014866.

Allele frequency attached by ClinVar (database versions not stated): ExAC 0.00001; gnomAD exomes 0.00001; gnomAD 0.00002 and 0.00003; TOPMed 0.00002.
gnomAD v4.1: 23 of 1,612,080 alleles (0.0014%); highest among the groups gnomAD compares: Middle Eastern, 0.033%; no homozygotes.

Submissions (7):

PreventionGenetics, part of Exact Sciences
Classification: Uncertain significance for MME-related condition. Last evaluated: 2025-08-31. Review status: criteria provided, single submitter. Criteria: ACMG Guidelines, 2015. Collection method: clinical testing. Allele origin: germline.
Comment: The MME c.1580G>A variant is predicted to result in the amino acid substitution p.Arg527Gln. To our knowledge, this variant has not been reported in the literature. This variant is reported in 0.0023% of alleles in individuals of European (non-Finnish) descent in gnomAD. At this time, the clinical significance of this variant is uncertain due to the absence of conclusive functional and genetic evidence.

Genomic Medicine Center of Excellence, King Faisal Specialist Hospital and Research Centre
Classification: Uncertain significance for Charcot-Marie-Tooth disease axonal type 2T. Last evaluated: 2024-04-04. Review status: criteria provided, single submitter. Criteria: ACMG Guidelines, 2015. Collection method: clinical testing. Allele origin: germline.

Ambry Genetics
Classification: Uncertain significance for Inborn genetic diseases. Last evaluated: 2023-09-12. Review status: criteria provided, single submitter. Criteria: Ambry Variant Classification Scheme 2023. Collection method: clinical testing. Allele origin: germline.

Blueprint Genetics
Classification: Uncertain significance. Last evaluated: 2023-06-14. Review status: criteria provided, single submitter. Criteria: ACMG Guidelines, 2015. Collection method: clinical testing. Allele origin: germline.

GeneDx
Classification: Uncertain significance. Last evaluated: 2023-02-24. Review status: criteria provided, single submitter. Criteria: GeneDx Variant Classification Process June 2021. Collection method: clinical testing. Allele origin: germline. Affected: yes.
Comment: Not observed at significant frequency in large population cohorts (gnomAD); In silico analysis supports that this missense variant has a deleterious effect on protein structure/function; Has not been previously reported as pathogenic or benign in association with neurodevelopmental disorders to our knowledge; This variant is associated with the following publications: (PMID: 29273096)

Labcorp Genetics (formerly Invitae), Labcorp
Classification: Uncertain significance. Last evaluated: 2022-06-27. Review status: criteria provided, single submitter. Criteria: Invitae Variant Classification Sherloc (09022015). Collection method: clinical testing. Allele origin: germline.
Comment: This sequence change replaces arginine, which is basic and polar, with glutamine, which is neutral and polar, at codon 527 of the MME protein (p.Arg527Gln). This variant is present in population databases (rs202008298, gnomAD 0.002%). This variant has not been reported in the literature in individuals affected with MME-related conditions. ClinVar contains an entry for this variant (Variation ID: 493378). Algorithms developed to predict the effect of missense changes on protein structure and function are either unavailable or do not agree on the potential impact of this missense change (SIFT: "Tolerated"; PolyPhen-2: "Probably Damaging"; Align-GVGD: "Class C0"). In summary, the available evidence is currently insufficient to determine the role of this variant in disease. Therefore, it has been classified as a Variant of Uncertain Significance.

CeGaT Center for Human Genetics Tuebingen
Classification: Uncertain significance. Last evaluated: 2017-08-01. Review status: criteria provided, single submitter. Criteria: CeGaT Center For Human Genetics Tuebingen Variant Classification Criteria Version 2. Collection method: clinical testing. Allele origin: germline. Affected: yes. Observed: 1 variant allele.